The following is an entry in ClinVar:

NM_030943.4(AMN):c.587del (p.Gly196fs)

Gene: AMN (amnion associated transmembrane protein; plus strand). Cytogenetic location: 14q32.32.
Variant type: Deletion.
Coding change: c.587del on transcript NM_030943.4 (MANE Select); coding-DNA position 587, one base deleted (G; older notation c.587delG).
Protein change: p.Gly196fs; shifts the reading frame from glycine 196.
Molecular consequence: frameshift variant.
Genome position (GRCh38, 1-based): chr14:102,929,194, G deleted; the last of 3 consecutive G bases (chr14:102,929,192-102,929,194); deleting any one gives the same sequence. VCF-style (leftmost placement, unchanged base first): chr14-102929191-CG-C. GRCh37 (hg19) VCF-style: chr14-103395528-CG-C.
Other names: c.425delG, p.Gly142Alafs (NM_001425246.1); short protein forms G196fs.
Identifiers: ClinVar variation 2707269 (VCV002707269.3), dbSNP rs2542696792, ClinGen allele CA2626677831.

ClinVar aggregate classification (germline): Pathogenic (1 of 4 stars; one submission).

Conditions:
Imerslund-Grasbeck syndrome. Also called: Megaloblastic anemia due to inborn errors of metabolism; ENTEROCYTE COBALAMIN MALABSORPTION; ENTEROCYTE INTRINSIC FACTOR RECEPTOR, DEFECT OF; Imerslund-Gräsbeck syndrome; PERNICIOUS ANEMIA, JUVENILE, DUE TO SELECTIVE INTESTINAL MALABSORPTION OF VITAMIN B12, WITH PROTEINURIA. Identifiers: Orphanet 35858, MedGen C4551825, MONDO:0009853.

Submission:

Labcorp Genetics (formerly Invitae), Labcorp
Classification: Pathogenic for Imerslund-Grasbeck syndrome. Last evaluated: 2024-01-04. Review status: criteria provided, single submitter. Criteria: Invitae Variant Classification Sherloc (09022015). Collection method: clinical testing. Allele origin: germline.
Comment: This sequence change creates a premature translational stop signal (p.Gly196Alafs*3) in the AMN gene. It is expected to result in an absent or disrupted protein product. Loss-of-function variants in AMN are known to be pathogenic (PMID: 12590260, 22929189). This variant is not present in population databases (gnomAD no frequency). This variant has not been reported in the literature in individuals affected with AMN-related conditions. For these reasons, this variant has been classified as Pathogenic.

Literature cited by the submitters: PubMed 12590260; PubMed 22929189.